The following is an entry in ClinVar:

ClinVar aggregate classification (germline): Benign/Likely benign. Review status: criteria provided, multiple submitters, no conflicts (2 of 4 stars). 4 submissions from 4 submitters: Benign (1); Likely benign (3). Last evaluated 2026-01-28.

Conditions:
Diffuse cerebral and cerebellar atrophy - intractable seizures - progressive microcephaly syndrome. Also called: Microcephaly, progressive, with seizures and cerebral and cerebellar atrophy. Identifiers: Orphanet 404437, MedGen C4014239, MONDO:0014335, OMIM 615760.

Allele frequency attached by ClinVar (database versions not stated): 1000 Genomes Project 30x 0.00016; 1000 Genomes Project 0.00020; ESP Exome Variant Server 0.00023; gnomAD 0.00048; TOPMed 0.00092.
gnomAD v4.1: 777 of 1,614,110 alleles (0.048%); highest among the groups gnomAD compares: South Asian, 0.39%; 4 homozygotes.

Submissions (4):

Labcorp Genetics (formerly Invitae), Labcorp
Classification: Benign for Diffuse cerebral and cerebellar atrophy - intractable seizures - progressive microcephaly syndrome. Last evaluated: 2026-01-28. Review status: criteria provided, single submitter. Criteria: Invitae Variant Classification Sherloc (09022015). Collection method: clinical testing. Allele origin: germline.

Blueprint Genetics
Classification: Likely benign. Last evaluated: 2024-10-23. Review status: criteria provided, single submitter. Criteria: ACMG Guidelines, 2015. Collection method: clinical testing. Allele origin: germline.

GeneDx
Classification: Likely benign. Last evaluated: 2016-05-12. Review status: criteria provided, single submitter. Criteria: GeneDx Variant Classification (06012015). Collection method: clinical testing. Allele origin: germline. Affected: yes.
Comment: This variant is considered likely benign or benign based on one or more of the following criteria: it is a conservative change, it occurs at a poorly conserved position in the protein, it is predicted to be benign by multiple in silico algorithms, and/or has population frequency not consistent with disease.

Breakthrough Genomics
Classification: Likely benign. Review status: criteria provided, single submitter. Criteria: ACMG Guidelines, 2015. Collection method: not provided. Allele origin: germline. Inheritance: Autosomal recessive inheritance. Affected: yes.

NM_005051.3(QARS1):c.1295+20G>C

Gene: QARS1 (glutaminyl-tRNA synthetase 1; minus strand). Cytogenetic location: 3p21.31.
Variant type: single nucleotide variant.
Coding change: c.1295+20G>C on transcript NM_005051.3 (MANE Select); 20 bases into the intron after coding-DNA position 1295, G replaced by C.
Molecular consequence: intron variant.
Genome position (GRCh38, 1-based): chr3:49,099,941, C>G on the plus strand (G>C on the coding strand, the complement: QARS1 is on the minus strand). VCF-style: chr3-49099941-C-G. GRCh37 (hg19) VCF-style: chr3-49137374-C-G.
Other names: c.1262+20G>C (NM_001272073.2).
Identifiers: ClinVar variation 385678 (VCV000385678.11), dbSNP rs377586991, ClinGen allele CA2391813.